The following is an entry in ClinVar:

ClinVar aggregate classification (germline): Likely benign. Review status: criteria provided, multiple submitters, no conflicts (2 of 4 stars). 2 submissions from 2 submitters: Likely benign (2). Last evaluated 2025-01-16.

Conditions:
FREM2-related disorder. Also called: FREM2-related condition.

Allele frequency attached by ClinVar (database versions not stated): ExAC 0.00009; ESP Exome Variant Server 0.00015; gnomAD 0.00018; TOPMed 0.00021; 1000 Genomes Project 30x 0.00047; 1000 Genomes Project 0.00060.
gnomAD v4.1: 56 of 1,614,008 alleles (0.0035%); highest among the groups gnomAD compares: African/African-American, 0.067%; no homozygotes.

Submissions (2):

PreventionGenetics, part of Exact Sciences
Classification: Likely benign for FREM2-related condition. Last evaluated: 2025-01-16. Review status: criteria provided, single submitter. Criteria: ACMG Guidelines, 2015. Collection method: clinical testing. Allele origin: germline.
Comment: This variant is classified as likely benign based on ACMG/AMP sequence variant interpretation guidelines (Richards et al. 2015 PMID: 25741868, with internal and published modifications).

Labcorp Genetics (formerly Invitae), Labcorp
Classification: Likely benign. Last evaluated: 2024-01-11. Review status: criteria provided, single submitter. Criteria: Invitae Variant Classification Sherloc (09022015). Collection method: clinical testing. Allele origin: germline.

NM_207361.6(FREM2):c.6432G>C (p.Gly2144=)

Gene: FREM2 (FRAS1 related extracellular matrix 2; plus strand). Cytogenetic location: 13q13.3.
Variant type: single nucleotide variant.
Coding change: c.6432G>C on transcript NM_207361.6 (MANE Select); coding-DNA position 6432, G replaced by C.
Protein change: p.Gly2144=; no amino-acid change (glycine 2144 retained).
Molecular consequence: synonymous variant.
Genome position (GRCh38, 1-based): chr13:38,850,090, G>C. VCF-style: chr13-38850090-G-C. GRCh37 (hg19) VCF-style: chr13-39424227-G-C.
Other names: c.6432G>C (NM_207361.5).
Identifiers: ClinVar variation 3013816 (VCV003013816.4), dbSNP rs115935998, ClinGen allele CA6955563.